The following is an entry in ClinVar:

ClinVar aggregate classification (germline): Pathogenic (1 of 4 stars; one submission).

Conditions:
Gray platelet syndrome (GPS). Also called: BLEEDING DISORDER, PLATELET-TYPE, 4. Identifiers: Orphanet 721, MedGen C0272302, MONDO:0007686, OMIM 139090.

Submission:

NIHR Bioresource Rare Diseases, University of Cambridge
Classification: Pathogenic for Gray platelet syndrome. Last evaluated: 2020-03-01. Review status: criteria provided, single submitter. Criteria: ACMG Guidelines, 2015. Collection method: research. Allele origin: unknown. Inheritance: Autosomal recessive inheritance. Affected: yes.
Comment: ACMG criteria: PVS1, PM2, PM3, PP4

Literature cited by the submitters: PubMed 32693407; PubMed 31064749.

NM_015175.3(NBEAL2):c.607dup (p.Ile203fs)

Gene: NBEAL2 (neurobeachin like 2; plus strand). Cytogenetic location: 3p21.31.
Variant type: Duplication.
Coding change: c.607dup on transcript NM_015175.3 (MANE Select); coding-DNA position 607, one base duplicated (A; older notation c.607dupA).
Protein change: p.Ile203fs; shifts the reading frame from isoleucine 203.
Molecular consequence: frameshift variant.
Genome position (GRCh38, 1-based): chr3:46,991,269, A duplicated. VCF-style (leftmost placement, unchanged base first): chr3-46991268-C-CA. GRCh37 (hg19) VCF-style: chr3-47032758-C-CA.
Other names: c.586dup, p.Ile196fs (NM_001365116.2); c.607dupA (NM_015175.2); short protein forms I203fs, I196fs.
Identifiers: ClinVar variation 627345 (VCV000627345.2), dbSNP rs1575592157, ClinGen allele CA915942452.